The following is an entry in ClinVar:

NM_000075.4(CDK4):c.169G>A (p.Val57Met)

Genes: CDK4 (cyclin dependent kinase 4; minus strand), LOC130008148 (ATAC-STARR-seq lymphoblastoid silent region 4588; plus strand). Cytogenetic location: 12q14.1.
Variant type: single nucleotide variant.
Coding change: c.169G>A on transcript NM_000075.4 (MANE Select); coding-DNA position 169, G replaced by A.
Protein change: p.Val57Met; replaces valine 57 with methionine.
Molecular consequence: missense variant.
Genome position (GRCh38, 1-based): chr12:57,751,549, C>T on the plus strand (G>A on the coding strand, the complement: CDK4 is on the minus strand). VCF-style: chr12-57751549-C-T. GRCh37 (hg19) VCF-style: chr12-58145332-C-T.
Other names: short protein forms V57M.
Identifiers: ClinVar variation 3830864 (VCV003830864.1).
Genomic context (GRCh38, chr12:57,751,549, plus strand): 5'-CACCTTCTCACCGGACAACATTGGGATGCTCAAAAGCCTCCAGTCGCCTCAGTAAAGCCA[C>T]CTCACGAACTGTGCTGATGGGAAGGCCTCCTCCACCTCCTCCTCCATTGGGGACTCTCAC-3'
Protein context (NP_000066.1, residues 47-67): GGLPISTVRE[Val57Met]ALLRRLEAFE

ClinVar aggregate classification (germline): Uncertain significance (1 of 4 stars; one submission).

Conditions:
Hereditary cancer-predisposing syndrome. Also called: Hereditary neoplastic syndrome; Neoplastic Syndromes, Hereditary; Tumor predisposition; Hereditary Cancer Syndrome. Identifiers: Orphanet 140162, MedGen C0027672, MeSH D009386, MONDO:0015356.

Submission:

Ambry Genetics
Classification: Uncertain significance for Hereditary cancer-predisposing syndrome. Last evaluated: 2025-01-02. Review status: criteria provided, single submitter. Criteria: Ambry Variant Classification Scheme 2023. Collection method: clinical testing. Allele origin: germline.
Comment: The p.V57M variant (also known as c.169G>A), located in coding exon 1 of the CDK4 gene, results from a G to A substitution at nucleotide position 169. The valine at codon 57 is replaced by methionine, an amino acid with highly similar properties. This amino acid position is highly conserved in available vertebrate species. In addition, the in silico prediction for this alteration is inconclusive. Based on the available evidence, the clinical significance of this variant remains unclear.